The following is an entry in ClinVar:

NM_002661.5(PLCG2):c.565-10A>G

Gene: PLCG2 (phospholipase C gamma 2; plus strand). Cytogenetic location: 16q23.3.
Variant type: single nucleotide variant.
Coding change: c.565-10A>G on transcript NM_002661.5 (MANE Select); 10 bases into the intron before coding-DNA position 565, A replaced by G.
Molecular consequence: intron variant.
Genome position (GRCh38, 1-based): chr16:81,870,842, A>G. VCF-style: chr16-81870842-A-G. GRCh37 (hg19) VCF-style: chr16-81904447-A-G.
Other names: p.?.
Identifiers: ClinVar variation 472902 (VCV000472902.18), dbSNP rs62046684, ClinGen allele CA8193298.

ClinVar aggregate classification (germline): Benign/Likely benign. Review status: criteria provided, multiple submitters, no conflicts (2 of 4 stars). 6 submissions from 6 submitters: Benign (5); Likely benign (1). Last evaluated 2026-02-04.

Conditions:
Familial cold autoinflammatory syndrome 3 (FCAS3). Also called: ANTIBODY DEFICIENCY AND IMMUNE DYSREGULATION, PLCG2-ASSOCIATED; FAMILIAL ATYPICAL COLD URTICARIA. Identifiers: Orphanet 300359, MedGen C3280914, MONDO:0013766, OMIM 614468.

Allele frequency attached by ClinVar (database versions not stated): 1000 Genomes Project 0.01498; 1000 Genomes Project 30x 0.01515; TOPMed 0.02772; gnomAD 0.03201; ESP Exome Variant Server 0.03337.
gnomAD v4.1: 57,835 of 1,522,626 alleles (3.8%); highest among the groups gnomAD compares: Non-Finnish European, 4.5%; 1,295 homozygotes.

Submissions (6):

Labcorp Genetics (formerly Invitae), Labcorp
Classification: Benign for Familial cold autoinflammatory syndrome 3. Last evaluated: 2026-02-04. Review status: criteria provided, single submitter. Criteria: Invitae Variant Classification Sherloc (09022015). Collection method: clinical testing. Allele origin: germline.

Women's Health and Genetics/Laboratory Corporation of America, LabCorp
Classification: Benign. Last evaluated: 2026-01-21. Review status: criteria provided, single submitter. Criteria: LabCorp Variant Classification Summary - May 2015. Collection method: clinical testing. Allele origin: germline.

Blueprint Genetics
Classification: Likely benign. Last evaluated: 2024-11-27. Review status: criteria provided, single submitter. Criteria: ACMG Guidelines, 2015. Collection method: clinical testing. Allele origin: germline.

Mayo Clinic Laboratories, Mayo Clinic
Classification: Benign. Last evaluated: 2022-05-25. Review status: criteria provided, single submitter. Criteria: ACMG Guidelines, 2015. Collection method: clinical testing. Allele origin: germline. Observed: 95 variant alleles.
Comment: BS1, BS2, BP4, BP7

GeneDx
Classification: Benign. Last evaluated: 2021-05-05. Review status: criteria provided, single submitter. Criteria: GeneDx Variant Classification Process June 2021. Collection method: clinical testing. Allele origin: germline. Affected: yes.

Breakthrough Genomics
Classification: Benign. Review status: criteria provided, single submitter. Criteria: ACMG Guidelines, 2015. Collection method: not provided. Allele origin: germline. Inheritance: Autosomal dominant inheritance. Affected: yes.